The following is an entry in ClinVar:

NM_001042492.3(NF1):c.61-1G>C

Gene: NF1 (neurofibromin 1; plus strand). Cytogenetic location: 17q11.2.
Variant type: single nucleotide variant.
Coding change: c.61-1G>C on transcript NM_001042492.3 (MANE Select); the canonical splice acceptor site of the intron before coding-DNA position 61, G replaced by C.
Molecular consequence: splice acceptor variant.
Genome position (GRCh38, 1-based): chr17:31,155,982, G>C. VCF-style: chr17-31155982-G-C. GRCh37 (hg19) VCF-style: chr17-29483000-G-C.
Other names: NC_000017.10:g.29483000G>C; c.61-1G>C (NM_000267.4, NM_001128147.3).
Identifiers: ClinVar variation 3338872 (VCV003338872.16).

ClinVar aggregate classification (germline): Pathogenic/Likely pathogenic. Review status: criteria provided, multiple submitters, no conflicts (2 of 4 stars). 2 submissions from 2 submitters: Pathogenic (1); Likely pathogenic (1). Last evaluated 2024-10-01.

Submissions (3):

CeGaT Center for Human Genetics Tuebingen
Classification: Pathogenic. Last evaluated: 2024-10-01. Review status: criteria provided, single submitter. Criteria: CeGaT Center For Human Genetics Tuebingen Variant Classification Criteria Version 2. Collection method: clinical testing. Allele origin: germline. Affected: yes. Observed: 1 variant allele.
Comment: NF1: PVS1, PM2, PS4:Moderate, PS1:Supporting

GeneDx
Classification: Likely pathogenic. Last evaluated: 2024-01-31. Review status: criteria provided, single submitter. Criteria: GeneDx Variant Classification Process June 2021. Collection method: clinical testing. Allele origin: germline. Affected: yes.
Comment: Canonical splice site variant predicted to result in an in-frame loss of the adjacent exon in a gene for which loss of function is a known mechanism of disease; Not observed at significant frequency in large population cohorts (gnomAD); Deletions involving coding exons of this gene are a known mechanism of disease (HGMD; other references); Observed in an individual reported to have a clinical diagnosis of neurofibromatosis type 1 (PMID: 22108604); This variant is associated with the following publications: (PMID: 22108604, 22155606)

Dr. Peter K. Rogan Lab, Western University
No classification provided (evidence only). Condition: Colon adenocarcinoma. Review status: no classification provided. Collection method: in vitro. Allele origin: not applicable. Functional consequence: retained intron. Not counted in ClinVar's aggregate classification.